The following is an entry in ClinVar:

ClinVar aggregate classification (germline): Pathogenic (1 of 4 stars; one submission).

Conditions:
Legius syndrome. Identifiers: Orphanet 137605, MedGen C1969623, MONDO:0012669, OMIM 611431. Disease mechanism: loss of function.

Submission:

Labcorp Genetics (formerly Invitae), Labcorp
Classification: Pathogenic for Legius syndrome. Last evaluated: 2024-06-09. Review status: criteria provided, single submitter. Criteria: Invitae Variant Classification Sherloc (09022015). Collection method: clinical testing. Allele origin: germline.
Comment: This sequence change creates a premature translational stop signal (p.Tyr187*) in the SPRED1 gene. It is expected to result in an absent or disrupted protein product. Loss-of-function variants in SPRED1 are known to be pathogenic (PMID: 17704776). This variant is not present in population databases (gnomAD no frequency). This variant has not been reported in the literature in individuals affected with SPRED1-related conditions. For these reasons, this variant has been classified as Pathogenic.

Literature cited by the submitters: PubMed 17704776.

NM_152594.3(SPRED1):c.561C>A (p.Tyr187Ter)

Gene: SPRED1 (sprouty related EVH1 domain containing 1; plus strand). Cytogenetic location: 15q14.
Variant type: single nucleotide variant.
Coding change: c.561C>A on transcript NM_152594.3 (MANE Select); coding-DNA position 561, C replaced by A.
Protein change: p.Tyr187Ter; replaces tyrosine 187 with a stop codon.
Molecular consequence: nonsense.
Genome position (GRCh38, 1-based): chr15:38,339,874, C>A. VCF-style: chr15-38339874-C-A. GRCh37 (hg19) VCF-style: chr15-38632075-C-A.
Other names: short protein forms Y187*.
Identifiers: ClinVar variation 3648547 (VCV003648547.2).
Genomic context (GRCh38, chr15:38,339,874, plus strand): 5'-TTATAGAAGCTCAAATATAAGACCTTCTCCCTTTGAAGATCTGAATGCCAGAAGAGTCTA[C>A]ATGCAAAGCCAAGCCAATCAGGTAAGAAGATAAAATATTTTTTCGGCGCGTTGTTTATAT-3'